The following is an entry in ClinVar:

ClinVar aggregate classification (germline): Pathogenic/Likely pathogenic. Review status: criteria provided, multiple submitters, no conflicts (2 of 4 stars). 2 submissions from 2 submitters: Pathogenic (1); Likely pathogenic (1). Last evaluated 2024-11-19.

Conditions:
Hereditary cancer-predisposing syndrome. Also called: Neoplastic Syndromes, Hereditary; Tumor predisposition; Hereditary neoplastic syndrome; Hereditary Cancer Syndrome. Identifiers: Orphanet 140162, MedGen C0027672, MeSH D009386, MONDO:0015356.
Breast-ovarian cancer, familial, susceptibility to, 5 (BROVCA5). Identifiers: MedGen C5830615, MONDO:0957530, OMIM 620442.

Submissions (2):

Ambry Genetics
Classification: Pathogenic for Hereditary cancer-predisposing syndrome. Last evaluated: 2024-11-19. Review status: criteria provided, single submitter. Criteria: Ambry Variant Classification Scheme 2023. Collection method: clinical testing. Allele origin: germline.
Comment: The p.Y408* pathogenic mutation (also known as c.1224T>G), located in coding exon 4 of the PALB2 gene, results from a T to G substitution at nucleotide position 1224. This changes the amino acid from a tyrosine to a stop codon within coding exon 4. This variant is considered to be rare based on population cohorts in the Genome Aggregation Database (gnomAD). This alteration is expected to result in loss of function by premature protein truncation or nonsense-mediated mRNA decay. As such, this alteration is interpreted as a disease-causing mutation.

Genomic Medicine Lab, University of California San Francisco
Classification: Likely pathogenic for Breast-ovarian cancer, familial, susceptibility to, 5. Last evaluated: 2023-06-06. Review status: criteria provided, single submitter. Criteria: ACMG Guidelines, 2015. Collection method: clinical testing. Allele origin: unknown. Affected: no.

NM_024675.4(PALB2):c.1224T>G (p.Tyr408Ter)

Gene: PALB2 (partner and localizer of BRCA2; minus strand). Cytogenetic location: 16p12.2.
Variant type: single nucleotide variant.
Coding change: c.1224T>G on transcript NM_024675.4 (MANE Select); coding-DNA position 1224, T replaced by G.
Protein change: p.Tyr408Ter; replaces tyrosine 408 with a stop codon.
Molecular consequence: nonsense. On other transcripts: intron variant (3).
Genome position (GRCh38, 1-based): chr16:23,635,322, A>C on the plus strand (T>G on the coding strand, the complement: PALB2 is on the minus strand). VCF-style: chr16-23635322-A-C. GRCh37 (hg19) VCF-style: chr16-23646643-A-C.
Other names: c.1164T>G, p.Tyr388Ter (NM_001407296.1); c.1224T>G, p.Tyr408Ter (NM_001407297.1, NM_001407298.1, NM_001407299.1 and 3 more transcripts); c.339T>G, p.Tyr113Ter (NM_001407304.1, NM_001407305.1, NM_001407306.1 and 5 more transcripts); c.48+5788T>G (NM_001407314.1); c.-104-4853T>G (NM_001407313.1, NM_001407312.1); short protein forms Y113*, Y388*, Y408*.
Identifiers: ClinVar variation 3075689 (VCV003075689.2), dbSNP rs2142422250, ClinGen allele CA395133110.